The following is an entry in ClinVar:

ClinVar aggregate classification (germline): Uncertain significance (1 of 4 stars; one submission).

Conditions:
Hereditary cancer-predisposing syndrome. Also called: Hereditary neoplastic syndrome; Tumor predisposition; Hereditary Cancer Syndrome; Neoplastic Syndromes, Hereditary. Identifiers: Orphanet 140162, MedGen C0027672, MeSH D009386, MONDO:0015356.

Submission:

Ambry Genetics
Classification: Uncertain significance for Hereditary cancer-predisposing syndrome. Last evaluated: 2023-09-14. Review status: criteria provided, single submitter. Criteria: Ambry Variant Classification Scheme 2023. Collection method: clinical testing. Allele origin: germline.
Comment: The p.A1458T variant (also known as c.4372G>A), located in coding exon 29 of the ALK gene, results from a G to A substitution at nucleotide position 4372. The alanine at codon 1458 is replaced by threonine, an amino acid with similar properties. This amino acid position is conserved. In addition, this alteration is predicted to be tolerated by in silico analysis. Since supporting evidence is limited at this time, the clinical significance of this alteration remains unclear.

NM_004304.5(ALK):c.4372G>A (p.Ala1458Thr)

Gene: ALK (ALK receptor tyrosine kinase; minus strand). Cytogenetic location: 2p23.2.
Variant type: single nucleotide variant.
Coding change: c.4372G>A on transcript NM_004304.5 (MANE Select); coding-DNA position 4372, G replaced by A.
Protein change: p.Ala1458Thr; replaces alanine 1458 with threonine.
Molecular consequence: missense variant.
Genome position (GRCh38, 1-based): chr2:29,193,715, C>T on the plus strand (G>A on the coding strand, the complement: ALK is on the minus strand). VCF-style: chr2-29193715-C-T. GRCh37 (hg19) VCF-style: chr2-29416581-C-T.
Other names: c.1168G>A, p.Ala390Thr (NM_001353765.2); short protein forms A1458T, A390T.
Identifiers: ClinVar variation 2586721 (VCV002586721.2), dbSNP rs2148138550, ClinGen allele CA346462331.